The following is an entry in ClinVar:

NM_001393504.1(MAST3):c.687C>T (p.Pro229=)

Gene: MAST3 (microtubule associated serine/threonine kinase 3; plus strand). Cytogenetic location: 19p13.11.
Variant type: single nucleotide variant.
Coding change: c.687C>T on transcript NM_001393504.1 (MANE Select); coding-DNA position 687, C replaced by T.
Protein change: p.Pro229=; no amino-acid change (proline 229 retained).
Molecular consequence: synonymous variant.
Genome position (GRCh38, 1-based): chr19:18,123,992, C>T. VCF-style: chr19-18123992-C-T. GRCh37 (hg19) VCF-style: chr19-18234802-C-T.
Other names: c.711C>T, p.Pro237= (NM_001393501.1); c.690C>T, p.Pro230= (NM_001393502.1); c.687C>T, p.Pro229= (NM_001393503.1); c.684C>T, p.Pro228= (NM_001393505.1); c.639C>T, p.Pro213= (NM_001393506.1, NM_001393513.1); c.666C>T, p.Pro222= (NM_001393507.1); c.621C>T, p.Pro207= (NM_001393508.1, NM_001393516.1); c.618C>T, p.Pro206= (NM_001393509.1, NM_001393510.1, NM_001393512.1 and 2 more transcripts); and 4 more.
Identifiers: ClinVar variation 4983554 (VCV004983554.1).

ClinVar aggregate classification (germline): Likely benign (1 of 4 stars; one submission).

Conditions:
MAST3-related disorder.

gnomAD v4.1: 46 of 1,592,082 alleles (0.0029%); highest among the groups gnomAD compares: Admixed American, 0.054%; no homozygotes.

Submission:

PreventionGenetics, part of Exact Sciences
Classification: Likely benign for MAST3-related condition. Last evaluated: 2026-03-04. Review status: criteria provided, single submitter. Criteria: ACMG Guidelines, 2015. Collection method: clinical testing. Allele origin: germline.
Comment: This variant is classified as likely benign based on ACMG/AMP sequence variant interpretation guidelines (Richards et al. 2015 PMID: 25741868, with internal and published modifications).